The following is an entry in ClinVar:

ClinVar aggregate classification (germline): Likely pathogenic/Pathogenic, low penetrance. Review status: criteria provided, multiple submitters, no conflicts (2 of 4 stars). 2 submissions from 2 submitters: Likely pathogenic (1); Pathogenic, low penetrance (1). Last evaluated 2025-10-02.

Conditions:
Atypical hemolytic-uremic syndrome. Identifiers: Orphanet 2134, MedGen C2931788, MONDO:0016244.
CFH-related disorder. Also called: CFH-related condition; CFH-related disorders.

gnomAD v4.1: 2 of 1,613,872 alleles (0.00012%); highest among the groups gnomAD compares: African/African-American, 0.0013%; no homozygotes.

Submissions (2):

Genomenon, Inc
Classification: Pathogenic, low penetrance for Atypical hemolytic-uremic syndrome. Last evaluated: 2025-10-02. Review status: criteria provided, single submitter. Criteria: Genomenon Sequence Variant Interpretation Standards - Updated. Collection method: curation. Allele origin: germline. Affected: yes.
Comment: CFH p.Arg1149Ter (c.3445C>T) is a nonsense variant that introduces a premature stop codon at amino acid position 1149, creating a truncated protein that is predicted to undergo nonsense-mediated mRNA decay. This variant has been observed in at least one proband affected with atypical hemolytic-uremic syndrome (PMID:23787556). It is absent or not present at a significant frequency in gnomAD. In conclusion, we classify CFH p.Arg1149Ter (c.3445C>T) as a pathogenic, low penetrance variant.

Blueprint Genetics
Classification: Likely pathogenic for CFH-related disorders. Last evaluated: 2020-09-04. Review status: criteria provided, single submitter. Criteria: ACMG Guidelines, 2015. Collection method: clinical testing. Allele origin: germline. Affected: yes. Observed: 3 variant alleles.

Literature cited by the submitters: PubMed 23787556 (cited by Genomenon, Inc).

NM_000186.4(CFH):c.3445C>T (p.Arg1149Ter)

Gene: CFH (complement factor H; plus strand). Cytogenetic location: 1q31.3.
Variant type: single nucleotide variant.
Coding change: c.3445C>T on transcript NM_000186.4 (MANE Select); coding-DNA position 3445, C replaced by T.
Protein change: p.Arg1149Ter; replaces arginine 1149 with a stop codon.
Molecular consequence: nonsense.
Genome position (GRCh38, 1-based): chr1:196,745,951, C>T. VCF-style: chr1-196745951-C-T. GRCh37 (hg19) VCF-style: chr1-196715081-C-T.
Other names: short protein forms R1149*.
Identifiers: ClinVar variation 4291573 (VCV004291573.2).